The following is an entry in ClinVar:

ClinVar aggregate classification (germline): Uncertain significance. Review status: criteria provided, multiple submitters, no conflicts (2 of 4 stars). 2 submissions from 2 submitters: Uncertain significance (2). Last evaluated 2024-12-11.

Conditions:
Inborn genetic diseases. Identifiers: MedGen C0950123, MeSH D030342.

Allele frequency attached by ClinVar (database versions not stated): TOPMed 0.00002; gnomAD 0.00007; gnomAD exomes 0.00007; ExAC 0.00011; 1000 Genomes Project 0.00020; 1000 Genomes Project 30x 0.00031.
gnomAD v4.1: 115 of 1,613,296 alleles (0.0071%); highest among the groups gnomAD compares: South Asian, 0.089%; 3 homozygotes.

Submissions (2):

Ambry Genetics
Classification: Uncertain significance for Inborn genetic diseases. Last evaluated: 2024-12-11. Review status: criteria provided, single submitter. Criteria: Ambry Variant Classification Scheme 2023. Collection method: clinical testing. Allele origin: germline.

Labcorp Genetics (formerly Invitae), Labcorp
Classification: Uncertain significance. Last evaluated: 2023-12-11. Review status: criteria provided, single submitter. Criteria: Invitae Variant Classification Sherloc (09022015). Collection method: clinical testing. Allele origin: germline.
Comment: This sequence change replaces glutamine, which is neutral and polar, with histidine, which is basic and polar, at codon 1928 of the ASPM protein (p.Gln1928His). This variant is present in population databases (rs554548758, gnomAD 0.08%), including at least one homozygous and/or hemizygous individual. This variant has not been reported in the literature in individuals affected with ASPM-related conditions. Advanced modeling of protein sequence and biophysical properties (such as structural, functional, and spatial information, amino acid conservation, physicochemical variation, residue mobility, and thermodynamic stability) has been performed at Invitae for this missense variant, however the output from this modeling did not meet the statistical confidence thresholds required to predict the impact of this variant on ASPM protein function. In summary, the available evidence is currently insufficient to determine the role of this variant in disease. Therefore, it has been classified as a Variant of Uncertain Significance.

NM_018136.5(ASPM):c.5784G>C (p.Gln1928His)

Gene: ASPM (assembly factor for spindle microtubules; minus strand). Cytogenetic location: 1q31.3.
Variant type: single nucleotide variant.
Coding change: c.5784G>C on transcript NM_018136.5 (MANE Select); coding-DNA position 5784, G replaced by C.
Protein change: p.Gln1928His; replaces glutamine 1928 with histidine.
Molecular consequence: missense variant. On other transcripts: intron variant (1).
Genome position (GRCh38, 1-based): chr1:197,103,467, C>G on the plus strand (G>C on the coding strand, the complement: ASPM is on the minus strand). VCF-style: chr1-197103467-C-G. GRCh37 (hg19) VCF-style: chr1-197072597-C-G.
Other names: c.4066-7303G>C (NM_001206846.2); c.5784G>C (NM_018136.4); short protein forms Q1928H.
Identifiers: ClinVar variation 2906609 (VCV002906609.2), dbSNP rs554548758, ClinGen allele CA1309692.
Genomic context (GRCh38, chr1:197,103,467, plus strand): 5'-ACGGAGTTCAATATACTCCATACATTGCTTCCTTCCTGCAGTCCATGCTCTGAAATTTTG[C>G]TGGATGACTAATGCTGCTGTTTTAAACAATCTAAACTGTTTCTGGGCCTTGGCCATTCTA-3'
Protein context (NP_060606.3, residues 1918-1938): RLFKTAALVI[Gln1928His]QNFRAWTAGR